The following is an entry in ClinVar:

ClinVar aggregate classification (germline): Pathogenic (1 of 4 stars; one submission).

Submission:

Labcorp Genetics (formerly Invitae), Labcorp
Classification: Pathogenic. Last evaluated: 2022-10-04. Review status: criteria provided, single submitter. Criteria: Invitae Variant Classification Sherloc (09022015). Collection method: clinical testing. Allele origin: germline.
Comment: For these reasons, this variant has been classified as Pathogenic. This variant disrupts a region of the OPA1 protein in which other variant(s) (p.Leu272Pro) have been determined to be pathogenic (PMID: 14961560, 22857269). This suggests that this is a clinically significant region of the protein, and that variants that disrupt it are likely to be disease-causing. This variant has not been reported in the literature in individuals affected with OPA1-related conditions. This variant is a gross deletion of the genomic region encompassing exon(s) 8 of the OPA1 gene. This variant would be expected to be in-frame, preserving the integrity of the reading frame.

Literature cited by the submitters: PubMed 14961560; PubMed 22857269.

NC_000003.11:g.(?_193354964)_(193355090_?)del

Gene: OPA1 (OPA1 mitochondrial dynamin like GTPase; plus strand). Cytogenetic location: 3q29.
Variant type: Deletion.
Identifiers: ClinVar variation 2426181 (VCV002426181.4).